The following is an entry in ClinVar:

ClinVar aggregate classification (germline): Uncertain significance. Review status: criteria provided, multiple submitters, no conflicts (2 of 4 stars). 2 submissions from 2 submitters: Uncertain significance (2). Last evaluated 2025-07-02.

Conditions:
Colorectal cancer, hereditary nonpolyposis, type 7. Identifiers: Orphanet 144, MedGen C1858380, MONDO:0013725, OMIM 614385.

Allele frequency attached by ClinVar (database versions not stated): gnomAD 0.00001; gnomAD exomes 0.00001; TOPMed 0.00002.
gnomAD v4.1: 11 of 1,614,064 alleles (0.00068%); highest among the groups gnomAD compares: African/African-American, 0.0013%; no homozygotes.

Submissions (2):

Ambry Genetics
Classification: Uncertain significance. Last evaluated: 2025-07-02. Review status: criteria provided, single submitter. Criteria: Ambry Variant Classification Scheme 2023. Collection method: clinical testing. Allele origin: germline.

Labcorp Genetics (formerly Invitae), Labcorp
Classification: Uncertain significance for Colorectal cancer, hereditary nonpolyposis, type 7. Last evaluated: 2024-09-18. Review status: criteria provided, single submitter. Criteria: Invitae Variant Classification Sherloc (09022015). Collection method: clinical testing. Allele origin: germline.
Comment: This sequence change replaces leucine, which is neutral and non-polar, with phenylalanine, which is neutral and non-polar, at codon 987 of the MLH3 protein (p.Leu987Phe). This variant is not present in population databases (gnomAD no frequency). This variant has not been reported in the literature in individuals affected with MLH3-related conditions. ClinVar contains an entry for this variant (Variation ID: 410883). An algorithm developed to predict the effect of missense changes on protein structure and function outputs the following: PolyPhen-2: "Benign". The phenylalanine amino acid residue is found in multiple mammalian species, which suggests that this missense change does not adversely affect protein function. In summary, the available evidence is currently insufficient to determine the role of this variant in disease. Therefore, it has been classified as a Variant of Uncertain Significance.

NM_001040108.2(MLH3):c.2959C>T (p.Leu987Phe)

Gene: MLH3 (mutL homolog 3; minus strand). Cytogenetic location: 14q24.3.
Variant type: single nucleotide variant.
Coding change: c.2959C>T on transcript NM_001040108.2 (MANE Select); coding-DNA position 2959, C replaced by T.
Protein change: p.Leu987Phe; replaces leucine 987 with phenylalanine.
Molecular consequence: missense variant.
Genome position (GRCh38, 1-based): chr14:75,046,697, G>A on the plus strand (C>T on the coding strand, the complement: MLH3 is on the minus strand). VCF-style: chr14-75046697-G-A. GRCh37 (hg19) VCF-style: chr14-75513400-G-A.
Other names: c.2959C>T, p.Leu987Phe (NM_014381.3); short protein forms L987F.
Identifiers: ClinVar variation 410883 (VCV000410883.9), dbSNP rs933183454, ClinGen allele CA16614563.